The following is an entry in ClinVar:

NM_003000.3(SDHB):c.765+4C>G

Gene: SDHB (succinate dehydrogenase complex iron sulfur subunit B; minus strand). Cytogenetic location: 1p36.13.
Variant type: single nucleotide variant.
Coding change: c.765+4C>G on transcript NM_003000.3 (MANE Select); 4 bases into the intron after coding-DNA position 765, C replaced by G.
Molecular consequence: intron variant.
Genome position (GRCh38, 1-based): chr1:17,022,604, G>C on the plus strand (C>G on the coding strand, the complement: SDHB is on the minus strand). VCF-style: chr1-17022604-G-C. GRCh37 (hg19) VCF-style: chr1-17349099-G-C.
Other names: c.711+4C>G (NM_001407361.1).
Identifiers: ClinVar variation 2447651 (VCV002447651.5), dbSNP rs776039903, ClinGen allele CA2580060615.

ClinVar aggregate classification (germline): Uncertain significance. Review status: criteria provided, multiple submitters, no conflicts (2 of 4 stars). 2 submissions from 2 submitters: Uncertain significance (2). Last evaluated 2023-12-27.

Conditions:
Pheochromocytoma. Also called: MAX-Related Hereditary Paraganglioma-Pheochromocytoma Syndrome. Identifiers: Orphanet 29072, MedGen C0031511, MONDO:0008233, OMIM 171300, HP:0002666.
Pheochromocytoma/paraganglioma syndrome 4. Also called: CAROTID BODY TUMORS AND MULTIPLE EXTRAADRENAL PHEOCHROMOCYTOMAS; PARAGANGLIOMA, FAMILIAL MALIGNANT; PARAGANGLIOMAS, HEREDITARY EXTRAADRENAL; PHEOCHROMOCYTOMA, FAMILIAL EXTRAADRENAL; Paragangliomas 4; SDHB-Related Hereditary Paraganglioma-Pheochromocytoma Syndrome (Paragangliomas 4). Identifiers: Orphanet 29072, MedGen C1861848, MONDO:0007273, OMIM 115310.
Gastrointestinal stromal tumor. Also called: Gastrointestinal stromal tumor, somatic; Gastrointestinal stroma tumor. Identifiers: Orphanet 44890, MedGen C0238198, MeSH D046152, MONDO:0011719, OMIM 606764, HP:0100723.
Hereditary cancer-predisposing syndrome. Also called: Hereditary Cancer Syndrome; Hereditary neoplastic syndrome; Neoplastic Syndromes, Hereditary; Tumor predisposition. Identifiers: Orphanet 140162, MedGen C0027672, MeSH D009386, MONDO:0015356.

Submissions (2):

Labcorp Genetics (formerly Invitae), Labcorp
Classification: Uncertain significance for Gastrointestinal stromal tumor; Pheochromocytoma/paraganglioma syndrome 4; Pheochromocytoma. Last evaluated: 2023-12-27. Review status: criteria provided, single submitter. Criteria: Invitae Variant Classification Sherloc (09022015). Collection method: clinical testing. Allele origin: germline.
Comment: This sequence change falls in intron 7 of the SDHB gene. It does not directly change the encoded amino acid sequence of the SDHB protein. It affects a nucleotide within the consensus splice site. This variant is not present in population databases (gnomAD no frequency). This variant has not been reported in the literature in individuals affected with SDHB-related conditions. ClinVar contains an entry for this variant (Variation ID: 2447651). Variants that disrupt the consensus splice site are a relatively common cause of aberrant splicing (PMID: 17576681, 9536098). Algorithms developed to predict the effect of sequence changes on RNA splicing suggest that this variant is not likely to affect RNA splicing. In summary, the available evidence is currently insufficient to determine the role of this variant in disease. Therefore, it has been classified as a Variant of Uncertain Significance.

Ambry Genetics
Classification: Uncertain significance for Hereditary cancer-predisposing syndrome. Last evaluated: 2023-02-25. Review status: criteria provided, single submitter. Criteria: Ambry Variant Classification Scheme 2023. Collection method: clinical testing. Allele origin: germline.
Comment: The c.765+4C>G intronic variant results from a C to G substitution 4 nucleotides after coding exon 7 in the SDHB gene. This nucleotide position is poorly conserved in available vertebrate species. In silico splice site analysis predicts that this alteration will not have any significant effect on splicing. Since supporting evidence is limited at this time, the clinical significance of this alteration remains unclear.

Literature cited by the submitters: PubMed 17576681 (cited by Labcorp Genetics (formerly Invitae), Labcorp); PubMed 9536098 (cited by Labcorp Genetics (formerly Invitae), Labcorp).